The following is an entry in ClinVar:

ClinVar aggregate classification (germline): Pathogenic/Likely pathogenic. Review status: criteria provided, multiple submitters, no conflicts (2 of 4 stars). 6 submissions from 6 submitters: Pathogenic (5); Likely pathogenic (1). Last evaluated 2024-08-12.

Conditions:
Hereditary cancer-predisposing syndrome. Also called: Neoplastic Syndromes, Hereditary; Tumor predisposition; Hereditary Cancer Syndrome; Hereditary neoplastic syndrome. Identifiers: Orphanet 140162, MedGen C0027672, MeSH D009386, MONDO:0015356.
Familial cancer of breast. Also called: BREAST CANCER, FAMILIAL; Hereditary breast cancer; hereditary breast carcinoma. Identifiers: Orphanet 227535, MedGen C0346153, MONDO:0016419, OMIM 114480. Disease mechanism: loss of function.

Allele frequency attached by ClinVar (database versions not stated): gnomAD exomes below 0.00001; ExAC 0.00001.
gnomAD v4.1: 2 of 1,613,958 alleles (0.00012%); highest among the groups gnomAD compares: Non-Finnish European, 0.00017%; no homozygotes.

Submissions (6):

Labcorp Genetics (formerly Invitae), Labcorp
Classification: Pathogenic for Familial cancer of breast. Last evaluated: 2024-08-12. Review status: criteria provided, single submitter. Criteria: Invitae Variant Classification Sherloc (09022015). Collection method: clinical testing. Allele origin: germline.
Comment: This sequence change creates a premature translational stop signal (p.Gln51*) in the CHEK2 gene. It is expected to result in an absent or disrupted protein product. Loss-of-function variants in CHEK2 are known to be pathogenic (PMID: 21876083, 24713400). This variant is present in population databases (rs587781592, gnomAD 0.0009%). This premature translational stop signal has been observed in individual(s) with kidney cancer (PMID: 34308104). ClinVar contains an entry for this variant (Variation ID: 141231). For these reasons, this variant has been classified as Pathogenic.

Ambry Genetics
Classification: Pathogenic for Hereditary cancer-predisposing syndrome. Last evaluated: 2024-06-05. Review status: criteria provided, single submitter. Criteria: Ambry Variant Classification Scheme 2023. Collection method: clinical testing. Allele origin: germline.
Comment: The p.Q51* pathogenic mutation (also known as c.151C>T), located in coding exon 1 of the CHEK2 gene, results from a C to T substitution at nucleotide position 151. This changes the amino acid from a glutamine to a stop codon within coding exon 1. This variant is considered to be rare based on population cohorts in the Genome Aggregation Database (gnomAD). This alteration is expected to result in loss of function by premature protein truncation or nonsense-mediated mRNA decay. As such, this alteration is interpreted as a disease-causing mutation.

Myriad Genetics, Inc.
Classification: Pathogenic for Familial cancer of breast. Last evaluated: 2023-06-22. Review status: criteria provided, single submitter. Criteria: Myriad Autosomal Dominant, Autosomal Recessive and X-Linked Classification Criteria (2023). Collection method: clinical testing. Allele origin: unknown.
Comment: This variant is considered pathogenic. This variant creates a termination codon and is predicted to result in premature protein truncation.

Baylor Genetics
Classification: Pathogenic for Familial cancer of breast. Last evaluated: 2023-06-21. Review status: criteria provided, single submitter. Criteria: ACMG Guidelines, 2015. Collection method: clinical testing. Allele origin: unknown.

Institute for Clinical Genetics, University Hospital TU Dresden, University Hospital TU Dresden
Classification: Likely pathogenic. Last evaluated: 2023-03-22. Review status: criteria provided, single submitter. Criteria: ACMG Guidelines, 2015. Collection method: clinical testing. Allele origin: germline.
Comment: PVS1, PM2_SUP

Color Diagnostics, LLC DBA Color Health
Classification: Pathogenic for Hereditary cancer-predisposing syndrome. Last evaluated: 2020-09-18. Review status: criteria provided, single submitter. Criteria: ACMG Guidelines, 2015. Collection method: clinical testing. Allele origin: germline.
Comment: This variant changes 1 nucleotide in exon 2 of the CHEK2 gene, creating a premature translation stop signal. This variant is expected to result in an absent or non-functional protein product. To our knowledge, this variant has not been reported in individuals affected with hereditary cancer in the literature. This variant has been identified in 1/251402 chromosomes in the general population by the Genome Aggregation Database (gnomAD). Loss of CHEK2 function is a known mechanism of disease. Based on the available evidence, this variant is classified as Pathogenic.

Literature cited by the submitters: PubMed 21876083 (cited by Labcorp Genetics (formerly Invitae), Labcorp); PubMed 24713400 (cited by Labcorp Genetics (formerly Invitae), Labcorp); PubMed 34308104 (cited by Labcorp Genetics (formerly Invitae), Labcorp); PubMed 29922827 (cited by Ambry Genetics).

NM_007194.4(CHEK2):c.151C>T (p.Gln51Ter)

Gene: CHEK2 (checkpoint kinase 2; minus strand). Cytogenetic location: 22q12.1.
Variant type: single nucleotide variant.
Coding change: c.151C>T on transcript NM_007194.4 (MANE Select); coding-DNA position 151, C replaced by T.
Protein change: p.Gln51Ter; replaces glutamine 51 with a stop codon.
Molecular consequence: nonsense.
Genome position (GRCh38, 1-based): chr22:28,734,571, G>A on the plus strand (C>T on the coding strand, the complement: CHEK2 is on the minus strand). VCF-style: chr22-28734571-G-A. GRCh37 (hg19) VCF-style: chr22-29130559-G-A.
Other names: c.151C>T, p.Gln51Ter (NM_001005735.3, NM_001349956.3, NM_145862.3); c.-627C>T (NM_001257387.3); short protein forms Q51*.
Identifiers: ClinVar variation 141231 (VCV000141231.24), dbSNP rs587781592, ClinGen allele CA164865.